The following is an entry in ClinVar:

ClinVar aggregate classification (germline): Benign/Likely benign. Review status: criteria provided, multiple submitters, no conflicts (2 of 4 stars). 4 submissions from 4 submitters: Benign (1); Likely benign (3). Last evaluated 2025-12-24.

Conditions:
Hereditary cancer-predisposing syndrome. Also called: Hereditary neoplastic syndrome; Neoplastic Syndromes, Hereditary; Tumor predisposition; Hereditary Cancer Syndrome. Identifiers: Orphanet 140162, MedGen C0027672, MeSH D009386, MONDO:0015356.
Familial cancer of breast. Also called: BREAST CANCER, FAMILIAL; Hereditary breast cancer; hereditary breast carcinoma. Identifiers: Orphanet 227535, MedGen C0346153, MONDO:0016419, OMIM 114480. Disease mechanism: loss of function.
Ataxia-telangiectasia syndrome (AT). Also called: LOUIS-BAR SYNDROME; Cerebello-oculocutaneous telangiectasia; Immunodeficiency with ataxia telangiectasia; AT, COMPLEMENTATION GROUP C; Ataxia-telangiectasia, complementation group D; ATAXIA-TELANGIECTASIA, COMPLEMENTATION GROUP A. Identifiers: Orphanet 100, MedGen C0004135, MONDO:0008840, OMIM 208900.

Allele frequency attached by ClinVar (database versions not stated): TOPMed below 0.00001.

Submissions (4):

Labcorp Genetics (formerly Invitae), Labcorp
Classification: Likely benign for Ataxia-telangiectasia syndrome. Last evaluated: 2025-12-24. Review status: criteria provided, single submitter. Criteria: Invitae Variant Classification Sherloc (09022015). Collection method: clinical testing. Allele origin: germline.

Myriad Genetics, Inc.
Classification: Benign for Familial cancer of breast. Last evaluated: 2024-05-14. Review status: criteria provided, single submitter. Criteria: Myriad Autosomal Dominant, Autosomal Recessive and X-Linked Classification Criteria (2023). Collection method: clinical testing. Allele origin: unknown.
Comment: This variant is considered benign. This variant is a silent/synonymous amino acid change and it is not expected to impact splicing.

GeneDx
Classification: Likely benign. Last evaluated: 2019-08-07. Review status: criteria provided, single submitter. Criteria: GeneDx Variant Classification Process June 2021. Collection method: clinical testing. Allele origin: germline. Affected: yes.

Ambry Genetics
Classification: Likely benign for Hereditary cancer-predisposing syndrome. Last evaluated: 2016-03-14. Review status: criteria provided, single submitter. Criteria: Ambry Variant Classification Scheme 2023. Collection method: clinical testing. Allele origin: germline.

NM_000051.4(ATM):c.3270A>G (p.Ala1090=)

Gene: ATM (ATM serine/threonine kinase; plus strand). Cytogenetic location: 11q22.3.
Variant type: single nucleotide variant.
Coding change: c.3270A>G on transcript NM_000051.4 (MANE Select); coding-DNA position 3270, A replaced by G.
Protein change: p.Ala1090=; no amino-acid change (alanine 1090 retained).
Molecular consequence: synonymous variant.
Genome position (GRCh38, 1-based): chr11:108,272,838, A>G. VCF-style: chr11-108272838-A-G. GRCh37 (hg19) VCF-style: chr11-108143565-A-G.
Other names: c.3270A>G, p.Ala1090= (NM_001351834.2).
Identifiers: ClinVar variation 481109 (VCV000481109.19), dbSNP rs997005308, ClinGen allele CA228357997.